The following is an entry in ClinVar:

ClinVar aggregate classification (germline): Uncertain significance (1 of 4 stars; one submission).

Submission:

GeneDx
Classification: Uncertain significance. Last evaluated: 2024-08-25. Review status: criteria provided, single submitter. Criteria: GeneDx Variant Classification Process June 2021. Collection method: clinical testing. Allele origin: germline. Affected: yes.
Comment: Not observed at significant frequency in large population cohorts (gnomAD); Has not been previously published as pathogenic or benign to our knowledge; Frameshift variant predicted to result in protein truncation or nonsense mediated decay in a gene for which loss-of-function is not a known mechanism of disease

NM_002055.5(GFAP):c.665_668dup (p.Glu223fs)

Gene: GFAP (glial fibrillary acidic protein; minus strand). Cytogenetic location: 17q21.31.
Variant type: Duplication.
Coding change: c.665_668dup on transcript NM_002055.5 (MANE Select); coding-DNA positions 665 to 668, 4 bases duplicated (TGGA; older notation c.665_668dupTGGA).
Protein change: p.Glu223fs; shifts the reading frame from glutamic acid 223.
Molecular consequence: frameshift variant.
Genome position (GRCh38, 1-based): chr17:44,913,381-44,913,384, TCCA duplicated on the plus strand (TGGA on the coding strand, the reverse complement: GFAP is on the minus strand). VCF-style (leftmost placement, unchanged base first): chr17-44913380-C-CTCCA. GRCh37 (hg19) VCF-style: chr17-42990748-C-CTCCA.
Other names: c.665_668dup, p.Glu223fs (NM_001131019.3, NM_001242376.3, NM_001363846.2); short protein forms E223fs.
Identifiers: ClinVar variation 3766350 (VCV003766350.1).
Genomic context (GRCh38, chr17:44,913,380, plus strand): 5'-CTCATACTGCGTGCGGATCTCTTTCAGGGCTGCGGTGAGGTCTGGCTTGGCCACGTCAAG[C>CTCCA]TCCACATGGACCTGCTGTCGGGCCAGCTGCTCCTGGAGTTCCCGAACCTCCTGACCAGGG-3'